The following is an entry in ClinVar:

ClinVar aggregate classification (germline): Pathogenic (1 of 4 stars; one submission).

Conditions:
Duchenne muscular dystrophy (DMD). Also called: MUSCULAR DYSTROPHY, PSEUDOHYPERTROPHIC PROGRESSIVE, DUCHENNE TYPE; Duchenne Muscular Dystrophy (DMD). Identifiers: Orphanet 98896, MedGen C0013264, MONDO:0010679, OMIM 310200.

Submission:

Labcorp Genetics (formerly Invitae), Labcorp
Classification: Pathogenic for Duchenne muscular dystrophy. Last evaluated: 2022-11-01. Review status: criteria provided, single submitter. Criteria: Invitae Variant Classification Sherloc (09022015). Collection method: clinical testing. Allele origin: germline.
Comment: For these reasons, this variant has been classified as Pathogenic. This variant has not been reported in the literature in individuals affected with DMD-related conditions. This variant is not present in population databases (gnomAD no frequency). This sequence change creates a premature translational stop signal (p.Leu870Phefs*5) in the DMD gene. It is expected to result in an absent or disrupted protein product. Loss-of-function variants in DMD are known to be pathogenic (PMID: 16770791, 25007885).

Literature cited by the submitters: PubMed 16770791; PubMed 25007885.

NM_004006.3(DMD):c.2609dup (p.Leu870fs)

Gene: DMD (dystrophin; minus strand). Cytogenetic location: Xp21.1.
Variant type: Duplication.
Coding change: c.2609dup on transcript NM_004006.3 (MANE Select); coding-DNA position 2609, one base duplicated (T; older notation c.2609dupT).
Protein change: p.Leu870fs; shifts the reading frame from leucine 870.
Molecular consequence: frameshift variant.
Genome position (GRCh38, 1-based): chrX:32,491,290, A duplicated on the plus strand (T on the coding strand, the reverse complement: DMD is on the minus strand); the first of 2 consecutive A bases (chrX:32,491,290-32,491,291); duplicating either gives the same sequence. VCF-style (leftmost placement, unchanged base first): chrX-32491289-T-TA. GRCh37 (hg19) VCF-style: chrX-32509406-T-TA.
Other names: c.2585dup, p.Leu862fs (NM_000109.4); c.2597dup, p.Leu866fs (NM_004009.3); c.2240dup, p.Leu747fs (NM_004010.3); short protein forms L870fs, L747fs, L862fs, L866fs.
Identifiers: ClinVar variation 2003473 (VCV002003473.4), dbSNP rs2525047957, ClinGen allele CA2580100666.